The following is an entry in ClinVar:

ClinVar aggregate classification (germline): Uncertain significance (1 of 4 stars; one submission).

Conditions:
Familial hemophagocytic lymphohistiocytosis 3 (FHL3). Also called: UNC13D-Related Familial Hemophagocytic Lymphohistiocytosis (UNC13D-fHLH). Identifiers: Orphanet 540, MedGen C1837174, MONDO:0012146, OMIM 608898.

Allele frequency attached by ClinVar (database versions not stated): ExAC 0.00001.
gnomAD v4.1: 1 of 1,613,806 alleles (0.000062%); highest among the groups gnomAD compares: South Asian, 0.0011%; no homozygotes.

Submission:

Labcorp Genetics (formerly Invitae), Labcorp
Classification: Uncertain significance for Familial hemophagocytic lymphohistiocytosis 3. Last evaluated: 2024-02-17. Review status: criteria provided, single submitter. Criteria: Invitae Variant Classification Sherloc (09022015). Collection method: clinical testing. Allele origin: germline.
Comment: This sequence change replaces arginine with serine at codon 412 of the UNC13D protein (p.Arg412Ser). The arginine residue is weakly conserved and there is a moderate physicochemical difference between arginine and serine. This variant is present in population databases (rs764771345, gnomAD 0.003%). This variant has not been reported in the literature in individuals affected with UNC13D-related conditions. ClinVar contains an entry for this variant (Variation ID: 1348696). Advanced modeling of protein sequence and biophysical properties (such as structural, functional, and spatial information, amino acid conservation, physicochemical variation, residue mobility, and thermodynamic stability) performed at Invitae indicates that this missense variant is not expected to disrupt UNC13D protein function with a negative predictive value of 80%. In summary, the available evidence is currently insufficient to determine the role of this variant in disease. Therefore, it has been classified as a Variant of Uncertain Significance.

NM_199242.3(UNC13D):c.1236G>C (p.Arg412Ser)

Gene: UNC13D (unc-13 homolog D; minus strand). Cytogenetic location: 17q25.1.
Variant type: single nucleotide variant.
Coding change: c.1236G>C on transcript NM_199242.3 (MANE Select); coding-DNA position 1236, G replaced by C.
Protein change: p.Arg412Ser; replaces arginine 412 with serine.
Molecular consequence: missense variant.
Genome position (GRCh38, 1-based): chr17:75,836,634, C>G on the plus strand (G>C on the coding strand, the complement: UNC13D is on the minus strand). VCF-style: chr17-75836634-C-G. GRCh37 (hg19) VCF-style: chr17-73832715-C-G.
Other names: short protein forms R412S.
Identifiers: ClinVar variation 1348696 (VCV001348696.6), dbSNP rs764771345, ClinGen allele CA8773067.